The following is an entry in ClinVar:

ClinVar aggregate classification (germline): Likely benign (0 of 4 stars; one submission).

Conditions:
TRAF6-related disorder. Also called: TRAF6-related condition.

Allele frequency attached by ClinVar (database versions not stated): 1000 Genomes Project 30x 0.00016; 1000 Genomes Project 0.00020; gnomAD 0.00053; TOPMed 0.00058; ESP Exome Variant Server 0.00077; ExAC 0.00099.

Submission:

PreventionGenetics, part of Exact Sciences
Classification: Likely benign for TRAF6-related condition. Last evaluated: 2024-02-21. Review status: no assertion criteria provided. Collection method: clinical testing. Allele origin: germline.
Comment: This variant is classified as likely benign based on ACMG/AMP sequence variant interpretation guidelines (Richards et al. 2015 PMID: 25741868, with internal and published modifications).

NM_004620.4(TRAF6):c.479T>C (p.Met160Thr)

Gene: TRAF6 (TNF receptor associated factor 6; minus strand). Cytogenetic location: 11p12.
Variant type: single nucleotide variant.
Coding change: c.479T>C on transcript NM_004620.4 (MANE Select); coding-DNA position 479, T replaced by C.
Protein change: p.Met160Thr; replaces methionine 160 with threonine.
Molecular consequence: missense variant.
Genome position (GRCh38, 1-based): chr11:36,497,235, A>G on the plus strand (T>C on the coding strand, the complement: TRAF6 is on the minus strand). VCF-style: chr11-36497235-A-G. GRCh37 (hg19) VCF-style: chr11-36518785-A-G.
Other names: c.479T>C, p.Met160Thr (NM_145803.3); short protein forms M160T.
Identifiers: ClinVar variation 3045430 (VCV003045430.2), dbSNP rs145863131, ClinGen allele CA5949781.